The following is an entry in ClinVar:

ClinVar aggregate classification (germline): Benign (0 of 4 stars; one submission).

Conditions:
SAGE1-related disorder. Also called: SAGE1-related condition.

Allele frequency attached by ClinVar (database versions not stated): 1000 Genomes Project 0.16185; 1000 Genomes Project 30x 0.16358; TOPMed 0.21017; gnomAD 0.21442; ESP Exome Variant Server 0.21755; ExAC 0.22171; gnomAD exomes 0.25193.
gnomAD v4.1: 297,589 of 1,201,637 alleles (25%); highest among the groups gnomAD compares: Non-Finnish European, 26%; 26,515 homozygotes.

Submission:

PreventionGenetics, part of Exact Sciences
Classification: Benign for SAGE1-related condition. Last evaluated: 2019-10-23. Review status: no assertion criteria provided. Collection method: clinical testing. Allele origin: germline.
Comment: This variant is classified as benign based on ACMG/AMP sequence variant interpretation guidelines (Richards et al. 2015 PMID: 25741868, with internal and published modifications).

NM_001381902.1(SAGE1):c.24G>A (p.Thr8=)

Gene: SAGE1 (sarcoma antigen 1; plus strand). Cytogenetic location: Xq26.3.
Variant type: single nucleotide variant.
Coding change: c.24G>A on transcript NM_001381902.1 (MANE Select); coding-DNA position 24, G replaced by A.
Protein change: p.Thr8=; no amino-acid change (threonine 8 retained).
Molecular consequence: synonymous variant.
Genome position (GRCh38, 1-based): chrX:135,896,266, G>A. VCF-style: chrX-135896266-G-A. GRCh37 (hg19) VCF-style: chrX-134978425-G-A.
Other names: c.24G>A, p.Thr8= (NM_018666.3).
Identifiers: ClinVar variation 3056169 (VCV003056169.2), dbSNP rs5930805, ClinGen allele CA10523782.